The following is an entry in ClinVar:

ClinVar aggregate classification (germline): Benign. Review status: criteria provided, multiple submitters, no conflicts (2 of 4 stars). 8 submissions from 8 submitters: Benign (8). Last evaluated 2026-02-03.

Conditions:
Cardiovascular phenotype. Identifiers: MedGen CN230736.
Long QT syndrome (LQTS). Identifiers: MedGen C0023976, MeSH D008133, MONDO:0002442. Disease mechanism: loss of function. Inheritance: Various modes of inheritance.

Allele frequency attached by ClinVar (database versions not stated): TOPMed 0.01005; gnomAD exomes 0.00100 and 0.00216; gnomAD 0.00890 and 0.00963; ESP Exome Variant Server 0.00899; 1000 Genomes Project 30x 0.00921; ExAC 0.00278; 1000 Genomes Project 0.00938.
gnomAD v4.1: 2,901 of 1,613,738 alleles (0.18%); highest among the groups gnomAD compares: African/African-American, 3.2%; 40 homozygotes.

Submissions (8):

Labcorp Genetics (formerly Invitae), Labcorp
Classification: Benign for Long QT syndrome. Last evaluated: 2026-02-03. Review status: criteria provided, single submitter. Criteria: Invitae Variant Classification Sherloc (09022015). Collection method: clinical testing. Allele origin: germline.

ARUP Laboratories, Molecular Genetics and Genomics, ARUP Laboratories
Classification: Benign. Last evaluated: 2025-05-14. Review status: criteria provided, single submitter. Criteria: ARUP Molecular Germline Variant Investigation Process 2024. Collection method: clinical testing. Allele origin: germline.

Women's Health and Genetics/Laboratory Corporation of America, LabCorp
Classification: Benign. Last evaluated: 2017-03-27. Review status: criteria provided, single submitter. Criteria: LabCorp Variant Classification Summary - May 2015. Collection method: clinical testing. Allele origin: germline.
Comment: Variant summary: The CACNA1C c.5604A>G (p.Gln1868Gln) variant causes a synonymous change involving a non-conserved nucleotide, which 4/5 splice prediction tools predict no significant impact on normal splicing. ESE finder predicts that this variant may alter ESE binding. However, the variant of interest was observed in the large, broad control population, ExAC, with an allele frequency of 335/120470 (7 homozygotes, 1/359), which significantly exceeds the estimated maximal expected allele frequency of a pathogenic CACNA1C variant of 1/100000. Therefore, suggesting this variant is likely a benign polymorphism. In addition, multiple clinical diagnostic laboratories classified this variant as "likely benign/benign." Therefore, the variant of interest has been classified as Benign.

Mayo Clinic Laboratories, Mayo Clinic
Classification: Benign. Last evaluated: 2015-11-18. Review status: criteria provided, single submitter. Criteria: ACMG Guidelines, 2015. Collection method: clinical testing. Allele origin: germline. Observed: 7 variant alleles.

Ambry Genetics
Classification: Benign for Cardiovascular phenotype. Last evaluated: 2015-08-04. Review status: criteria provided, single submitter. Criteria: Ambry Variant Classification Scheme 2023. Collection method: clinical testing. Allele origin: germline.

GeneDx
Classification: Benign. Last evaluated: 2015-03-03. Review status: criteria provided, single submitter. Criteria: GeneDx Variant Classification Process June 2021. Collection method: clinical testing. Allele origin: germline. Affected: yes.

Eurofins Ntd Llc (ga)
Classification: Benign. Last evaluated: 2013-10-11. Review status: criteria provided, single submitter. Criteria: EGL Classification Definitions 2015. Collection method: clinical testing. Allele origin: germline. Observed: 1 variant allele, 1 heterozygote.

Breakthrough Genomics
Classification: Benign. Review status: criteria provided, single submitter. Criteria: ACMG Guidelines, 2015. Collection method: not provided. Allele origin: germline. Inheritance: Autosomal dominant inheritance. Affected: yes.

NM_000719.7(CACNA1C):c.5604A>G (p.Gln1868=)

Genes: CACNA1C-AS1 (CACNA1C antisense RNA 1; minus strand), CACNA1C (calcium voltage-gated channel subunit alpha1 C; plus strand). Cytogenetic location: 12p13.33.
Variant type: single nucleotide variant.
Coding change: c.5604A>G on transcript NM_000719.7 (MANE Select); coding-DNA position 5604, A replaced by G.
Protein change: p.Gln1868=; no amino-acid change (glutamine 1868 retained).
Molecular consequence: synonymous variant.
Genome position (GRCh38, 1-based): chr12:2,685,766, A>G. VCF-style: chr12-2685766-A-G. GRCh37 (hg19) VCF-style: chr12-2794932-A-G.
Other names: p.Gln1868=; c.5748A>G, p.Gln1916= (NM_001129827.2); c.5727A>G, p.Gln1909= (NM_001129829.2); c.5709A>G, p.Gln1903= (NM_001129830.3, NM_001167624.3); c.5688A>G, p.Gln1896= (NM_001129831.2); c.5664A>G, p.Gln1888= (NM_001129832.2); c.5661A>G, p.Gln1887= (NM_001129833.2, NM_001129834.2, NM_001129835.2); c.5655A>G, p.Gln1885= (NM_001129836.2); and 7 more.
Identifiers: ClinVar variation 93415 (VCV000093415.32), dbSNP rs11062316, ClinGen allele CA146931.